The following is an entry in ClinVar:

NM_001042492.3(NF1):c.5582A>G (p.Asn1861Ser)

Gene: NF1 (neurofibromin 1; plus strand). Cytogenetic location: 17q11.2.
Variant type: single nucleotide variant.
Coding change: c.5582A>G on transcript NM_001042492.3 (MANE Select); coding-DNA position 5582, A replaced by G.
Protein change: p.Asn1861Ser; replaces asparagine 1861 with serine.
Molecular consequence: missense variant.
Genome position (GRCh38, 1-based): chr17:31,327,812, A>G. VCF-style: chr17-31327812-A-G. GRCh37 (hg19) VCF-style: chr17-29654830-A-G.
Other names: c.5519A>G, p.Asn1840Ser (NM_000267.4); short protein forms N1840S, N1861S.
Identifiers: ClinVar variation 485950 (VCV000485950.5), dbSNP rs1555533647, ClinGen allele CA399010017.

ClinVar aggregate classification (germline): Uncertain significance (1 of 4 stars; one submission).

Conditions:
Hereditary cancer-predisposing syndrome. Also called: Tumor predisposition; Hereditary Cancer Syndrome; Hereditary neoplastic syndrome; Neoplastic Syndromes, Hereditary. Identifiers: Orphanet 140162, MedGen C0027672, MeSH D009386, MONDO:0015356.
Cardiovascular phenotype. Identifiers: MedGen CN230736.

Allele frequency attached by ClinVar (database versions not stated): gnomAD exomes below 0.00001.
gnomAD v4.1: 2 of 1,614,162 alleles (0.00012%); highest among the groups gnomAD compares: South Asian, 0.0011%; no homozygotes.

Submission:

Ambry Genetics
Classification: Uncertain significance for Cardiovascular phenotype; Hereditary cancer-predisposing syndrome. Last evaluated: 2016-09-02. Review status: criteria provided, single submitter. Criteria: Ambry Variant Classification Scheme 2023. Collection method: clinical testing. Allele origin: germline.
Comment: The p.N1840S variant (also known as c.5519A>G), located in coding exon 37 of the NF1 gene, results from an A to G substitution at nucleotide position 5519. The asparagine at codon 1840 is replaced by serine, an amino acid with highly similar properties. This variant was not reported in population based cohorts in the following databases: Database of Single Nucleotide Polymorphisms (dbSNP), NHLBI Exome Sequencing Project (ESP), and 1000 Genomes Project. In the ESP, this variant was not observed in 6503 samples (13006 alleles) with coverage at this position. To date, this alteration has been detected with an allele frequency of approximately 0.001% (greater than 175000 alleles tested) in our clinical cohort. This amino acid position is highly conserved in available vertebrate species. In addition, the in silico prediction for this alteration is inconclusive. Since supporting evidence is limited at this time, the clinical significance of this alteration remains unclear.